The following is an entry in ClinVar:

NM_001369268.1(ACAN):c.338C>A (p.Pro113His)

Gene: ACAN (aggrecan; plus strand). Cytogenetic location: 15q26.1.
Variant type: single nucleotide variant.
Coding change: c.338C>A on transcript NM_001369268.1 (MANE Select); coding-DNA position 338, C replaced by A.
Protein change: p.Pro113His; replaces proline 113 with histidine.
Molecular consequence: missense variant.
Genome position (GRCh38, 1-based): chr15:88,838,930, C>A. VCF-style: chr15-88838930-C-A. GRCh37 (hg19) VCF-style: chr15-89382161-C-A.
Other names: c.338C>A, p.Pro113His (NM_001411097.1, NM_013227.4, NM_001135.4 and 1 more transcripts); short protein forms P113H.
Identifiers: ClinVar variation 3647243 (VCV003647243.2).
Genomic context (GRCh38, chr15:88,838,930, plus strand): 5'-GCGTGCGGGTCAACAGTGCCTATCAGGACAAGGTCTCACTGCCCAACTACCCGGCCATCC[C>A]CAGTGACGCCACCTTGGAAGTCCAGAGCCTGCGCTCCAATGACTCTGGGGTCTACCGCTG-3'
Protein context (NP_001356197.1, residues 103-123): KVSLPNYPAI[Pro113His]SDATLEVQSL

ClinVar aggregate classification (germline): Uncertain significance (1 of 4 stars; one submission).

Submission:

Labcorp Genetics (formerly Invitae), Labcorp
Classification: Uncertain significance. Last evaluated: 2024-10-28. Review status: criteria provided, single submitter. Criteria: Invitae Variant Classification Sherloc (09022015). Collection method: clinical testing. Allele origin: germline.
Comment: This sequence change replaces proline, which is neutral and non-polar, with histidine, which is basic and polar, at codon 113 of the ACAN protein (p.Pro113His). This variant is not present in population databases (gnomAD no frequency). This variant has not been reported in the literature in individuals affected with ACAN-related conditions. Invitae Evidence Modeling of protein sequence and biophysical properties (such as structural, functional, and spatial information, amino acid conservation, physicochemical variation, residue mobility, and thermodynamic stability) indicates that this missense variant is not expected to disrupt ACAN protein function with a negative predictive value of 80%. In summary, the available evidence is currently insufficient to determine the role of this variant in disease. Therefore, it has been classified as a Variant of Uncertain Significance.